The following is an entry in ClinVar:

ClinVar aggregate classification (germline): Likely pathogenic. Review status: criteria provided, single submitter (1 of 4 stars). 2 submissions from 2 submitters: Likely pathogenic (1). 1 of the submissions does not count toward it. Last evaluated 2022-12-01.

Conditions:
Ehlers-Danlos syndrome, type 4 (EDSVASC). Also called: Ehlers-Danlos syndrome vascular type; Ehlers Danlos syndrome, ecchymotic type; Ehlers Danlos syndrome, arterial type; Ehlers Danlos syndrome, Sack-Barabas type; Ehlers-Danlos Syndrome Type IV. Identifiers: Orphanet 286, MedGen C0268338, MONDO:0017314, OMIM 130050.

Submissions (2):

Labcorp Genetics (formerly Invitae), Labcorp
Classification: Likely pathogenic for Ehlers-Danlos syndrome, type 4. Last evaluated: 2022-12-01. Review status: criteria provided, single submitter. Criteria: Invitae Variant Classification Sherloc (09022015). Collection method: clinical testing. Allele origin: germline.
Comment: This sequence change replaces glycine, which is neutral and non-polar, with valine, which is neutral and non-polar, at codon 675 of the COL3A1 protein (p.Gly675Val). This variant is not present in population databases (gnomAD no frequency). This missense change has been observed in individual(s) with vascular Ehlers-Danlos syndrome (PMID: 24922459, 30474650). ClinVar contains an entry for this variant (Variation ID: 101311). Algorithms developed to predict the effect of missense changes on protein structure and function are either unavailable or do not agree on the potential impact of this missense change (SIFT: "Deleterious"; PolyPhen-2: "Not Available"; Align-GVGD: "Class C65"). This variant disrupts the triple helix domain of COL3A1. Glycine residues within the Gly-Xaa-Yaa repeats of the triple helix domain are required for the structure and stability of fibrillar collagens (PMID: 7695699, 8218237, 19344236). In COL3A1, variants that affect these glycine residues are significantly enriched in individuals with disease (PMID: 24922459, 25758994) compared to the general population (ExAC). In summary, the currently available evidence indicates that the variant is pathogenic, but additional data are needed to prove that conclusively. Therefore, this variant has been classified as Likely Pathogenic.

Collagen Diagnostic Laboratory, University of Washington
Classification: Pathogenic for Ehlers-Danlos syndrome, type 4. Review status: no assertion criteria provided. Collection method: clinical testing. Allele origin: germline. Affected: yes. Not counted in ClinVar's aggregate classification.

Literature cited by the submitters: PubMed 24922459 (cited by Labcorp Genetics (formerly Invitae), Labcorp); PubMed 30474650 (cited by Labcorp Genetics (formerly Invitae), Labcorp); PubMed 7695699 (cited by Labcorp Genetics (formerly Invitae), Labcorp); PubMed 8218237 (cited by Labcorp Genetics (formerly Invitae), Labcorp); PubMed 19344236 (cited by Labcorp Genetics (formerly Invitae), Labcorp); PubMed 25758994 (cited by Labcorp Genetics (formerly Invitae), Labcorp).

NM_000090.4(COL3A1):c.2024G>T (p.Gly675Val)

Gene: COL3A1 (collagen type III alpha 1 chain; plus strand). Cytogenetic location: 2q32.2.
Variant type: single nucleotide variant.
Coding change: c.2024G>T on transcript NM_000090.4 (MANE Select); coding-DNA position 2024, G replaced by T.
Protein change: p.Gly675Val; replaces glycine 675 with valine.
Molecular consequence: missense variant.
Genome position (GRCh38, 1-based): chr2:188,999,286, G>T. VCF-style: chr2-188999286-G-T. GRCh37 (hg19) VCF-style: chr2-189864012-G-T.
Identifiers: ClinVar variation 101311 (VCV000101311.5), dbSNP rs587779597, ClinGen allele CA004907.